The following is an entry in ClinVar:

ClinVar aggregate classification (germline): Likely benign (1 of 4 stars; one submission).

Allele frequency attached by ClinVar (database versions not stated): gnomAD 0.00002; gnomAD exomes 0.00002; TOPMed 0.00002.
gnomAD v4.1: 30 of 1,464,350 alleles (0.002%); highest among the groups gnomAD compares: Admixed American, 0.0047%; no homozygotes.

Submission:

CeGaT Center for Human Genetics Tuebingen
Classification: Likely benign. Last evaluated: 2026-03-01. Review status: criteria provided, single submitter. Criteria: CeGaT Center For Human Genetics Tuebingen Variant Classification Criteria Version 2. Collection method: clinical testing. Allele origin: germline. Affected: yes. Observed: 5 variant alleles.
Comment: CACNA1A: BP4, BP7

NM_001127222.2(CACNA1A):c.7275C>T (p.Gly2425=)

Gene: CACNA1A (calcium voltage-gated channel subunit alpha1 A; minus strand). Cytogenetic location: 19p13.13.
Variant type: single nucleotide variant.
Coding change: c.7275C>T on transcript NM_001127222.2 (MANE Select); coding-DNA position 7275, C replaced by T.
Protein change: p.Gly2425=; no amino-acid change (glycine 2425 retained).
Molecular consequence: synonymous variant. On other transcripts: 3 prime UTR variant (3).
Genome position (GRCh38, 1-based): chr19:13,207,559, G>A on the plus strand (C>T on the coding strand, the complement: CACNA1A is on the minus strand). VCF-style: chr19-13207559-G-A. GRCh37 (hg19) VCF-style: chr19-13318373-G-A.
Other names: c.*487C>T (NM_000068.4, NM_001127221.2, NM_001174080.2); c.7293C>T, p.Gly2431= (NM_023035.3).
Identifiers: ClinVar variation 2649375 (VCV002649375.24), dbSNP rs1414822365, ClinGen allele CA505784751.